The following is an entry in ClinVar:

NM_007325.5(GRIA3):c.595G>A (p.Val199Ile)

Gene: GRIA3 (glutamate ionotropic receptor AMPA type subunit 3; plus strand). Cytogenetic location: Xq25.
Variant type: single nucleotide variant.
Coding change: c.595G>A on transcript NM_007325.5 (MANE Select); coding-DNA position 595, G replaced by A.
Protein change: p.Val199Ile; replaces valine 199 with isoleucine.
Molecular consequence: missense variant.
Genome position (GRCh38, 1-based): chrX:123,326,112, G>A. VCF-style: chrX-123326112-G-A. GRCh37 (hg19) VCF-style: chrX-122459963-G-A.
Other names: c.595G>A, p.Val199Ile (NM_000828.5); short protein forms V199I.
Identifiers: ClinVar variation 1403302 (VCV001403302.8), dbSNP rs898363972, ClinGen allele CA335234210.

ClinVar aggregate classification (germline): Uncertain significance (1 of 4 stars; one submission).

Allele frequency attached by ClinVar (database versions not stated): gnomAD exomes below 0.00001; TOPMed 0.00003; gnomAD 0.00004.
gnomAD v4.1: 7 of 1,205,272 alleles (0.00058%); highest among the groups gnomAD compares: African/African-American, 0.011%; no homozygotes.

Submission:

Labcorp Genetics (formerly Invitae), Labcorp
Classification: Uncertain significance. Last evaluated: 2026-01-28. Review status: criteria provided, single submitter. Criteria: Invitae Variant Classification Sherloc (09022015). Collection method: clinical testing. Allele origin: germline.
Comment: This sequence change replaces valine, which is neutral and non-polar, with isoleucine, which is neutral and non-polar, at codon 199 of the GRIA3 protein (p.Val199Ile). This variant is not present in population databases (gnomAD no frequency). This variant has not been reported in the literature in individuals affected with GRIA3-related conditions. ClinVar contains an entry for this variant (Variation ID: 1403302). Invitae Evidence Modeling of protein sequence and biophysical properties (such as structural, functional, and spatial information, amino acid conservation, physicochemical variation, residue mobility, and thermodynamic stability) indicates that this missense variant is not expected to disrupt GRIA3 protein function with a negative predictive value of 80%. In summary, the available evidence is currently insufficient to determine the role of this variant in disease. Therefore, it has been classified as a Variant of Uncertain Significance.